The following is an entry in ClinVar:

ClinVar aggregate classification (germline): Likely benign. Review status: criteria provided, multiple submitters, no conflicts (2 of 4 stars). 2 submissions from 2 submitters: Likely benign (2). Last evaluated 2025-08-10.

Conditions:
Marfan syndrome (MFS). Also called: Marfan syndrome, classic; Marfan syndrome type 1; Marfan's syndrome; MARFAN SYNDROME, TYPE I; FBN1-Related Marfan Syndrome. Identifiers: Orphanet 284963, Orphanet 558, MedGen C0024796, MONDO:0007947, OMIM 154700.
Familial thoracic aortic aneurysm and aortic dissection (TAAD). Also called: Thoracic aortic aneurysms and dissections. Identifiers: Orphanet 91387, MedGen C4707243, MONDO:0019625.

Allele frequency attached by ClinVar (database versions not stated): gnomAD exomes 0.00001 and 0.00004; TOPMed 0.00003; gnomAD 0.00004; ExAC 0.00005.
gnomAD v4.1: 24 of 1,606,040 alleles (0.0015%); highest among the groups gnomAD compares: Non-Finnish European, 0.0006%; no homozygotes.

Submissions (2):

Labcorp Genetics (formerly Invitae), Labcorp
Classification: Likely benign for Marfan syndrome; Familial thoracic aortic aneurysm and aortic dissection. Last evaluated: 2025-08-10. Review status: criteria provided, single submitter. Criteria: Invitae Variant Classification Sherloc (09022015). Collection method: clinical testing. Allele origin: germline.

GeneDx
Classification: Likely benign. Last evaluated: 2015-11-09. Review status: criteria provided, single submitter. Criteria: GeneDx Variant Classification (06012015). Collection method: clinical testing. Allele origin: germline. Affected: yes.
Comment: This variant is considered likely benign or benign based on one or more of the following criteria: it is a conservative change, it occurs at a poorly conserved position in the protein, it is predicted to be benign by multiple in silico algorithms, and/or has population frequency not consistent with disease.

NM_000138.5(FBN1):c.2168-19G>T

Gene: FBN1 (fibrillin 1; minus strand). Cytogenetic location: 15q21.1.
Variant type: single nucleotide variant.
Coding change: c.2168-19G>T on transcript NM_000138.5 (MANE Select); 19 bases into the intron before coding-DNA position 2168, G replaced by T.
Molecular consequence: intron variant.
Genome position (GRCh38, 1-based): chr15:48,497,410, C>A on the plus strand (G>T on the coding strand, the complement: FBN1 is on the minus strand). VCF-style: chr15-48497410-C-A. GRCh37 (hg19) VCF-style: chr15-48789607-C-A.
Identifiers: ClinVar variation 381298 (VCV000381298.5), dbSNP rs777612162, ClinGen allele CA047088.